The following is an entry in ClinVar:

NM_000257.4(MYH7):c.4122G>A (p.Lys1374=)

Gene: MYH7 (myosin heavy chain 7; minus strand). Cytogenetic location: 14q11.2.
Variant type: single nucleotide variant.
Coding change: c.4122G>A on transcript NM_000257.4 (MANE Select); coding-DNA position 4122, G replaced by A.
Protein change: p.Lys1374=; no amino-acid change (lysine 1374 retained).
Molecular consequence: synonymous variant.
Genome position (GRCh38, 1-based): chr14:23,418,257, C>T on the plus strand (G>A on the coding strand, the complement: MYH7 is on the minus strand). VCF-style: chr14-23418257-C-T. GRCh37 (hg19) VCF-style: chr14-23887466-C-T.
Identifiers: ClinVar variation 1537411 (VCV001537411.9), dbSNP rs1892310220, ClinGen allele CA485618313.
Genomic context (GRCh38, chr14:23,418,257, plus strand): 5'-GCTCAGAACTCACTTGGCCTCCTCGAGCTCCTCAGTCCGCTGAATGGCGTCCGTCTCATA[C>T]TTGGTCCTCCACTGGGCCACCTCCGAGTTGGCCTTGGAAAGGACGCGCTGCAGCTCGGCC-3'
Protein context (NP_000248.2, residues 1364-1384): ANSEVAQWRT[Lys1374=]YETDAIQRTE

ClinVar aggregate classification (germline): Likely benign. Review status: criteria provided, multiple submitters, no conflicts (2 of 4 stars). 2 submissions from 2 submitters: Likely benign (2). Last evaluated 2025-02-05.

Conditions:
Cardiomyopathy (CMYO). Also called: Cardiomyopathies. Identifiers: Orphanet 167848, MedGen C0878544, MONDO:0004994, HP:0001638. Inheritance: Various modes of inheritance.
Hypertrophic cardiomyopathy. Also called: HYPERTROPHIC MYOCARDIOPATHY. Identifiers: Orphanet 217569, MedGen C0007194, MeSH D002312, MONDO:0005045, HP:0001639.

Allele frequency attached by ClinVar (database versions not stated): TOPMed below 0.00001.

Submissions (2):

Labcorp Genetics (formerly Invitae), Labcorp
Classification: Likely benign for Hypertrophic cardiomyopathy. Last evaluated: 2025-02-05. Review status: criteria provided, single submitter. Criteria: Invitae Variant Classification Sherloc (09022015). Collection method: clinical testing. Allele origin: germline.

All of Us Research Program, National Institutes of Health
Classification: Likely benign for Cardiomyopathy. Last evaluated: 2023-04-10. Review status: criteria provided, single submitter. Criteria: ACMG Guidelines, 2015. Collection method: clinical testing. Allele origin: germline. Inheritance: Autosomal dominant inheritance. Observed: 1 variant allele, 1 heterozygote.
Comment: This study involves interpretation of variants in research participants for the purpose of population health screening. Participant phenotype was not available at the time of variant classification. Additional details can be found in publication PMID: 35346344, PMCID: PMC8962531